The following is an entry in ClinVar:

NM_004560.4(ROR2):c.1549C>T (p.Leu517=)

Gene: ROR2 (ROR family WNT receptor 2; minus strand). Cytogenetic location: 9q22.31.
Variant type: single nucleotide variant.
Coding change: c.1549C>T on transcript NM_004560.4 (MANE Select); coding-DNA position 1549, C replaced by T.
Protein change: p.Leu517=; no amino-acid change (leucine 517 retained).
Molecular consequence: synonymous variant.
Genome position (GRCh38, 1-based): chr9:91,724,945, G>A on the plus strand (C>T on the coding strand, the complement: ROR2 is on the minus strand). VCF-style: chr9-91724945-G-A. GRCh37 (hg19) VCF-style: chr9-94487227-G-A.
Identifiers: ClinVar variation 1622937 (VCV001622937.18), dbSNP rs760112842, ClinGen allele CA5120657.
Genomic context (GRCh38, chr9:91,724,945, plus strand): 5'-CGACGTTGGGGTGTTGCAGCCGTGCTCGCAGCATAGCCTCATGCCGGAACTCCTCCCGCA[G>A]GGGCCCCTCCGCTTTGTCCTTCAGCGTTTTGATGGCCACAGCCTGGGTCTGCTCCCCCGG-3'
Protein context (NP_004551.2, residues 507-527): KTLKDKAEGP[Leu517=]REEFRHEAML

ClinVar aggregate classification (germline): Likely benign. Review status: criteria provided, multiple submitters, no conflicts (2 of 4 stars). 2 submissions from 2 submitters: Likely benign (2). Last evaluated 2025-05-01.

Allele frequency attached by ClinVar (database versions not stated): gnomAD 0.00002; gnomAD exomes 0.00003 and 0.00006; TOPMed 0.00003; ExAC 0.00010.
gnomAD v4.1: 46 of 1,613,068 alleles (0.0029%); highest among the groups gnomAD compares: Non-Finnish European, 0.0031%; no homozygotes.

Submissions (2):

CeGaT Center for Human Genetics Tuebingen
Classification: Likely benign. Last evaluated: 2025-05-01. Review status: criteria provided, single submitter. Criteria: CeGaT Center For Human Genetics Tuebingen Variant Classification Criteria Version 2. Collection method: clinical testing. Allele origin: germline. Affected: yes. Observed: 1 variant allele.
Comment: ROR2: BP4

Labcorp Genetics (formerly Invitae), Labcorp
Classification: Likely benign. Last evaluated: 2024-10-30. Review status: criteria provided, single submitter. Criteria: Invitae Variant Classification Sherloc (09022015). Collection method: clinical testing. Allele origin: germline.